The following is an entry in ClinVar:

ClinVar aggregate classification (germline): Benign. Review status: criteria provided, multiple submitters, no conflicts (2 of 4 stars). 18 submissions from 15 submitters: Benign (12). 6 of the submissions do not count toward it. Last evaluated 2026-02-04.

Conditions:
Charcot-Marie-Tooth disease type 2Y. Also called: CHARCOT-MARIE-TOOTH DISEASE, AXONAL, AUTOSOMAL DOMINANT, TYPE 2Y; CHARCOT-MARIE-TOOTH NEUROPATHY, TYPE 2Y; Charcot-Marie-Tooth disease, axonal, type 2y. Identifiers: Orphanet 435387, MedGen C5569026, MONDO:0014735, OMIM 616687.
Frontotemporal dementia and/or amyotrophic lateral sclerosis 6 (FTDALS6). Also called: VCP-Related Amyotrophic Lateral Sclerosis/Frontotemporal Dementia; VCP-Related Amyotrophic Lateral Sclerosis. Identifiers: Orphanet 275872, Orphanet 803, MedGen C5436279, MONDO:0013501, OMIM 613954.
Inclusion body myopathy with Paget disease of bone and frontotemporal dementia. Also called: Inclusion body myopathy with early-onset Paget disease and frontotemporal dementia. Identifiers: Orphanet 52430, MedGen C1833662, MONDO:0000507.
Inclusion body myopathy with Paget disease of bone and frontotemporal dementia type 1. Also called: MULTISYSTEM PROTEINOPATHY 1; Inclusion body myopathy with early-onset Paget disease with or without frontotemporal dementia 1; Inclusion body myopathy with early-onset Paget disease and frontotemporal dementia 1. Identifiers: MedGen C4551951, MONDO:0008178, OMIM 167320.

Allele frequency attached by ClinVar (database versions not stated): 1000 Genomes Project 0.40875; 1000 Genomes Project 30x 0.40912; TOPMed 0.53601; gnomAD 0.54469 and 0.54947; ESP Exome Variant Server 0.56205; ExAC 0.58646; gnomAD exomes 0.59168 and 0.66699.
gnomAD v4.1: 1,054,928 of 1,613,318 alleles (65%); highest among the groups gnomAD compares: Non-Finnish European, 72%; 362,752 homozygotes.

Submissions (18):

Labcorp Genetics (formerly Invitae), Labcorp
Classification: Benign for Inclusion body myopathy with Paget disease of bone and frontotemporal dementia; Frontotemporal dementia and/or amyotrophic lateral sclerosis 6. Last evaluated: 2026-02-04. Review status: criteria provided, single submitter. Criteria: Invitae Variant Classification Sherloc (09022015). Collection method: clinical testing. Allele origin: germline.

Blueprint Genetics
Classification: Benign. Last evaluated: 2024-11-27. Review status: criteria provided, single submitter. Criteria: ACMG Guidelines, 2015. Collection method: clinical testing. Allele origin: germline.

Genome-Nilou Lab
Classification: Benign for Charcot-Marie-Tooth disease type 2Y. Last evaluated: 2021-12-05. Review status: criteria provided, single submitter. Criteria: ACMG Guidelines, 2015. Collection method: clinical testing. Allele origin: germline. Affected: no.

Genome-Nilou Lab
Classification: Benign for Frontotemporal dementia and/or amyotrophic lateral sclerosis 6. Last evaluated: 2021-12-05. Review status: criteria provided, single submitter. Criteria: ACMG Guidelines, 2015. Collection method: clinical testing. Allele origin: germline. Affected: no.

Genome-Nilou Lab
Classification: Benign for Inclusion body myopathy with Paget disease of bone and frontotemporal dementia type 1. Last evaluated: 2021-12-05. Review status: criteria provided, single submitter. Criteria: ACMG Guidelines, 2015. Collection method: clinical testing. Allele origin: germline. Affected: no.

GeneDx
Classification: Benign. Last evaluated: 2018-07-06. Review status: criteria provided, single submitter. Criteria: GeneDx Variant Classification Process June 2021. Collection method: clinical testing. Allele origin: germline. Affected: yes.
Comment: This variant is associated with the following publications: (PMID: 29851785)

Illumina Laboratory Services, Illumina
Classification: Benign for Frontotemporal dementia and/or amyotrophic lateral sclerosis 6. Last evaluated: 2018-01-13. Review status: criteria provided, single submitter. Criteria: ICSL Variant Classification Criteria 13 December 2019. Collection method: clinical testing. Allele origin: germline.
Comment: This variant was observed in the ICSL laboratory as part of a predisposition screen in an ostensibly healthy population. It had not been previously curated by ICSL or reported in the Human Gene Mutation Database (HGMD: prior to June 1st, 2018), and was therefore a candidate for classification through an automated scoring system. Utilizing variant allele frequency, disease prevalence and penetrance estimates, and inheritance mode, an automated score was calculated to assess if this variant is too frequent to cause the disease. Based on the score and internal cut-off values, a variant classified as benign is not then subjected to further curation. The score for this variant resulted in a classification of benign for this disease.

Illumina Laboratory Services, Illumina
Classification: Benign for Inclusion body myopathy with Paget disease of bone and frontotemporal dementia type 1. Last evaluated: 2018-01-13. Review status: criteria provided, single submitter. Criteria: ICSL Variant Classification Criteria 13 December 2019. Collection method: clinical testing. Allele origin: germline.
Comment: the same text as in the submission from Illumina Laboratory Services, Illumina above.

Mayo Clinic Laboratories, Mayo Clinic
Classification: Benign. Last evaluated: 2017-10-04. Review status: criteria provided, single submitter. Criteria: ACMG Guidelines, 2015. Collection method: clinical testing. Allele origin: germline. Observed: 1,893 variant alleles.

Athena Diagnostics
Classification: Benign. Last evaluated: 2017-07-21. Review status: criteria provided, single submitter. Criteria: Athena Diagnostics Criteria. Collection method: clinical testing. Allele origin: germline.

Breakthrough Genomics
Classification: Benign. Review status: criteria provided, single submitter. Criteria: ACMG Guidelines, 2015. Collection method: not provided. Allele origin: germline. Inheritance: Autosomal dominant inheritance. Affected: yes.

PreventionGenetics, part of Exact Sciences
Classification: Benign. Review status: criteria provided, single submitter. Criteria: ACMG Guidelines, 2015. Collection method: clinical testing. Allele origin: germline.

Clinical Genetics DNA and cytogenetics Diagnostics Lab, Erasmus MC, Erasmus Medical Center
Classification: Benign. Review status: no assertion criteria provided. Collection method: clinical testing. Allele origin: germline. Affected: yes. Study: VKGL Data-share Consensus. Not counted in ClinVar's aggregate classification.

Clinical Genetics, Academic Medical Center
Classification: Benign. Review status: no assertion criteria provided. Collection method: clinical testing. Allele origin: germline. Affected: yes. Study: VKGL Data-share Consensus. Not counted in ClinVar's aggregate classification.

Diagnostic Laboratory, Department of Genetics, University Medical Center Groningen
Classification: Benign. Review status: no assertion criteria provided. Collection method: clinical testing. Allele origin: germline. Affected: yes. Study: VKGL Data-share Consensus. Not counted in ClinVar's aggregate classification.

Genome Diagnostics Laboratory, Amsterdam University Medical Center
Classification: Benign. Review status: no assertion criteria provided. Collection method: clinical testing. Allele origin: germline. Affected: yes. Study: VKGL Data-share Consensus. Not counted in ClinVar's aggregate classification.

Genome Diagnostics Laboratory, University Medical Center Utrecht
Classification: Benign. Review status: no assertion criteria provided. Collection method: clinical testing. Allele origin: germline. Affected: yes. Study: VKGL Data-share Consensus. Not counted in ClinVar's aggregate classification.

Joint Genome Diagnostic Labs from Nijmegen and Maastricht, Radboudumc and MUMC+
Classification: Benign. Review status: no assertion criteria provided. Collection method: clinical testing. Allele origin: germline. Affected: yes. Study: VKGL Data-share Consensus. Not counted in ClinVar's aggregate classification.

NM_007126.5(VCP):c.1695+8A>G

Gene: VCP (valosin containing protein; minus strand). Cytogenetic location: 9p13.3.
Variant type: single nucleotide variant.
Coding change: c.1695+8A>G on transcript NM_007126.5 (MANE Select); 8 bases into the intron after coding-DNA position 1695, A replaced by G.
Molecular consequence: intron variant.
Genome position (GRCh38, 1-based): chr9:35,060,305, T>C on the plus strand (A>G on the coding strand, the complement: VCP is on the minus strand). VCF-style: chr9-35060305-T-C. GRCh37 (hg19) VCF-style: chr9-35060302-T-C.
Other names: p.?; c.1560+8A>G (NM_001354927.2, NM_001354928.2).
Identifiers: ClinVar variation 260124 (VCV000260124.28), dbSNP rs684562, ClinGen allele CA5039205.